The following is an entry in ClinVar:

ClinVar aggregate classification (germline): Uncertain significance (1 of 4 stars; one submission).

Conditions:
Hereditary cancer-predisposing syndrome. Also called: Hereditary neoplastic syndrome; Neoplastic Syndromes, Hereditary; Tumor predisposition; Hereditary Cancer Syndrome. Identifiers: Orphanet 140162, MedGen C0027672, MeSH D009386, MONDO:0015356.

Submission:

Sema4
Classification: Uncertain significance for Hereditary cancer-predisposing syndrome. Last evaluated: 2021-07-12. Review status: criteria provided, single submitter. Criteria: Sema4 Curation Guidelines. Collection method: curation. Allele origin: germline.
Comment: The ATM c.7275T>C (p.G2425=) variant has not been reported in the literature to our knowledge. It was not observed in the large and broad cohorts of the Genome Aggregation Database (PMID: 32461654). This variant has not been reported in ClinVar. In silico tools suggest the variant may potentially have an impact on splicing, though these predictions have not been confirmed by functional studies. The evidence is insufficient to meet ACMG/AMP criteria for classifying the variant as benign or pathogenic. Thus, the clinical significance of this variant is currently uncertain.

NM_000051.4(ATM):c.7275T>C (p.Gly2425=)

Genes: C11orf65 (chromosome 11 open reading frame 65; minus strand), ATM (ATM serine/threonine kinase; plus strand). Cytogenetic location: 11q22.3.
Variant type: single nucleotide variant.
Coding change: c.7275T>C on transcript NM_000051.4 (MANE Select); coding-DNA position 7275, T replaced by C.
Protein change: p.Gly2425=; no amino-acid change (glycine 2425 retained).
Molecular consequence: synonymous variant. On other transcripts: intron variant (2).
Genome position (GRCh38, 1-based): chr11:108,329,206, T>C. VCF-style: chr11-108329206-T-C. GRCh37 (hg19) VCF-style: chr11-108199933-T-C.
Other names: c.7275T>C, p.Gly2425= (NM_001351834.2); c.641-20135A>G (NM_001330368.2); c.*38+6014A>G (NM_001351110.2).
Identifiers: ClinVar variation 1692944 (VCV001692944.1), dbSNP rs2136422273, ClinGen allele CA476676764.